The following is an entry in ClinVar:

NC_000011.10:g.(?_108297287)_(108335961_?)del

Genes: ATM (ATM serine/threonine kinase; plus strand), C11orf65 (chromosome 11 open reading frame 65; minus strand). Cytogenetic location: 11q22.3.
Variant type: Deletion.
Identifiers: ClinVar variation 417410 (VCV000417410.1).

ClinVar aggregate classification (germline): Pathogenic (1 of 4 stars; one submission).

Conditions:
Ataxia-telangiectasia syndrome (AT). Also called: Ataxia-telangiectasia; Cerebello-oculocutaneous telangiectasia; Immunodeficiency with ataxia telangiectasia; ATAXIA-TELANGIECTASIA, COMPLEMENTATION GROUP A; ATAXIA-TELANGIECTASIA, FRESNO VARIANT; Ataxia-telangiectasia, complementation group D. Identifiers: Orphanet 100, MedGen C0004135, MONDO:0008840, OMIM 208900.

Submission:

Labcorp Genetics (formerly Invitae), Labcorp
Classification: Pathogenic for Ataxia-telangiectasia syndrome. Last evaluated: 2016-11-22. Review status: criteria provided, single submitter. Criteria: Invitae Variant Classification Sherloc (09022015). Collection method: clinical testing. Allele origin: germline.
Comment: This variant is a gross deletion of the genomic region encompassing exons 33-56 of the ATM gene. This creates a premature translational stop signal and is expected to result in an absent or disrupted protein product. While this particular variant has not been reported in the literature, gross deletions and truncating variants in ATM are known to be pathogenic (PMID: 25614872, 23807571). For these reasons, this variant has been classified as Pathogenic.